The following is an entry in ClinVar:

NM_003227.4(TFR2):c.2389A>G (p.Ile797Val)

Gene: TFR2 (transferrin receptor 2; minus strand). Cytogenetic location: 7q22.1.
Variant type: single nucleotide variant.
Coding change: c.2389A>G on transcript NM_003227.4 (MANE Select); coding-DNA position 2389, A replaced by G.
Protein change: p.Ile797Val; replaces isoleucine 797 with valine.
Molecular consequence: missense variant.
Genome position (GRCh38, 1-based): chr7:100,620,874, T>C on the plus strand (A>G on the coding strand, the complement: TFR2 is on the minus strand). VCF-style: chr7-100620874-T-C. GRCh37 (hg19) VCF-style: chr7-100218497-T-C.
Other names: c.1876A>G, p.Ile626Val (NM_001206855.3); short protein forms I797V, I626V.
Identifiers: ClinVar variation 415944 (VCV000415944.14), dbSNP rs41296645, ClinGen allele CA4386139.
Genomic context (GRCh38, chr7:100,620,874, plus strand): 5'-GAGCTCTTGACTGGGGGACGGGGATGTGAGGATCCCCAGGGCCTCAGAAGTTGTTATCAA[T>C]GTTCCAGACATCCCCGCTAAGCGCATTGGCTGCCCCTTGCAGCGTCCAGGTGAGCAGGGC-3'
Protein context (NP_003218.2, residues 787-801): ANALSGDVWN[Ile797Val]DNNF

ClinVar aggregate classification (germline): Conflicting classifications of pathogenicity. Review status: criteria provided, conflicting classifications (1 of 4 stars). 3 submissions from 3 submitters: Uncertain significance (1); Likely benign (2). Last evaluated 2026-02-04.

Conditions:
TFR2-related disorder. Also called: TFR2-related condition.
Inborn genetic diseases. Identifiers: MedGen C0950123, MeSH D030342.
Hereditary hemochromatosis (HFE). Identifiers: MedGen C0392514, MONDO:0006507. Disease mechanism: loss of function.

Allele frequency attached by ClinVar (database versions not stated): gnomAD exomes 0.00011 and 0.00036; ExAC 0.00050; ESP Exome Variant Server 0.00131; gnomAD 0.00142 and 0.00151; TOPMed 0.00170; 1000 Genomes Project 0.00200; 1000 Genomes Project 30x 0.00234.
gnomAD v4.1: 393 of 1,614,080 alleles (0.024%); highest among the groups gnomAD compares: African/African-American, 0.45%; 1 homozygote.

Submissions (3):

Labcorp Genetics (formerly Invitae), Labcorp
Classification: Likely benign for Hereditary hemochromatosis. Last evaluated: 2026-02-04. Review status: criteria provided, single submitter. Criteria: Invitae Variant Classification Sherloc (09022015). Collection method: clinical testing. Allele origin: germline.

Ambry Genetics
Classification: Uncertain significance for Inborn genetic diseases. Last evaluated: 2025-03-28. Review status: criteria provided, single submitter. Criteria: Ambry Variant Classification Scheme 2023. Collection method: clinical testing. Allele origin: germline.

PreventionGenetics, part of Exact Sciences
Classification: Likely benign for TFR2-related condition. Last evaluated: 2024-11-27. Review status: criteria provided, single submitter. Criteria: ACMG Guidelines, 2015. Collection method: clinical testing. Allele origin: germline.
Comment: This variant is classified as likely benign based on ACMG/AMP sequence variant interpretation guidelines (Richards et al. 2015 PMID: 25741868, with internal and published modifications).